The following is an entry in ClinVar:

NM_002691.4(POLD1):c.316+4A>G

Gene: POLD1 (DNA polymerase delta 1, catalytic subunit; plus strand). Cytogenetic location: 19q13.33.
Variant type: single nucleotide variant.
Coding change: c.316+4A>G on transcript NM_002691.4 (MANE Select); 4 bases into the intron after coding-DNA position 316, A replaced by G.
Molecular consequence: intron variant.
Genome position (GRCh38, 1-based): chr19:50,399,488, A>G. VCF-style: chr19-50399488-A-G. GRCh37 (hg19) VCF-style: chr19-50902745-A-G.
Other names: c.316+4A>G (LRG_785t2, LRG_785t1, NM_001256849.1 and 2 more transcripts).
Identifiers: ClinVar variation 649647 (VCV000649647.7), dbSNP rs1601191006, ClinGen allele CA915951914.

ClinVar aggregate classification (germline): Uncertain significance. Review status: criteria provided, multiple submitters, no conflicts (2 of 4 stars). 2 submissions from 2 submitters: Uncertain significance (2). Last evaluated 2026-01-07.

Conditions:
POLD1-related polyposis and colorectal cancer syndrome (CRCS10). Also called: Colorectal cancer, susceptibility to, 10; Colorectal cancer 10; COLORECTAL CANCER, SUSCEPTIBILITY TO, ON CHROMOSOME 19q. Identifiers: Orphanet 220460, MedGen C2675481, MONDO:0012953, OMIM 612591.
Hereditary cancer-predisposing syndrome. Also called: Hereditary neoplastic syndrome; Tumor predisposition; Hereditary Cancer Syndrome; Neoplastic Syndromes, Hereditary. Identifiers: Orphanet 140162, MedGen C0027672, MeSH D009386, MONDO:0015356.

Submissions (2):

Labcorp Genetics (formerly Invitae), Labcorp
Classification: Uncertain significance for POLD1-related polyposis and colorectal cancer syndrome. Last evaluated: 2026-01-07. Review status: criteria provided, single submitter. Criteria: Invitae Variant Classification Sherloc (09022015). Collection method: clinical testing. Allele origin: germline.
Comment: This sequence change falls in intron 3 of the POLD1 gene. It does not directly change the encoded amino acid sequence of the POLD1 protein. RNA analysis indicates that this variant induces altered splicing and likely results in a shortened protein product. This variant is not present in population databases (gnomAD no frequency). This variant has not been reported in the literature in individuals affected with POLD1-related conditions. ClinVar contains an entry for this variant (Variation ID: 649647). Variants that disrupt the consensus splice site are a relatively common cause of aberrant splicing (PMID: 17576681, 9536098). Studies have shown that this variant results in skipping of exon 3, but is expected to preserve the integrity of the reading-frame (internal data). Missense variants that disrupt the 3'-5' exonuclease (proof-reading) activity of the POLD1 protein are associated with PPAP (polymerase proofreading–associated polyposis) (PMID: 23263490, 23447401). However, loss-of-function variants that result in an absent or severely disrupted POLD1 protein, and missense variants outside the exonuclease domain, are unlikely to be associated with PPAP. In summary, the available evidence is currently insufficient to determine the role of this variant in disease. Therefore, it has been classified as a Variant of Uncertain Significance.

Ambry Genetics
Classification: Uncertain significance for Hereditary cancer-predisposing syndrome. Last evaluated: 2025-04-09. Review status: criteria provided, single submitter. Criteria: Ambry Variant Classification Scheme 2023. Collection method: clinical testing. Allele origin: germline.
Comment: The c.316+4A>G intronic variant results from an A to G substitution 4 nucleotides after coding exon 2 in the POLD1 gene. This nucleotide position is highly conserved in available vertebrate species. In silico splice site analysis predicts that this alteration may weaken the native splice donor site. Based on the available evidence, the clinical significance of this variant remains unclear.

Literature cited by the submitters: PubMed 17576681 (cited by Labcorp Genetics (formerly Invitae), Labcorp); PubMed 9536098 (cited by Labcorp Genetics (formerly Invitae), Labcorp); PubMed 23263490 (cited by Labcorp Genetics (formerly Invitae), Labcorp); PubMed 23447401 (cited by Labcorp Genetics (formerly Invitae), Labcorp).